The following is an entry in ClinVar:

NM_001112726.3(CEP170B):c.318G>A (p.Pro106=)

Gene: CEP170B (centrosomal protein 170B; plus strand). Cytogenetic location: 14q32.33.
Variant type: single nucleotide variant.
Coding change: c.318G>A on transcript NM_001112726.3 (MANE Select); coding-DNA position 318, G replaced by A.
Protein change: p.Pro106=; no amino-acid change (proline 106 retained).
Molecular consequence: synonymous variant.
Genome position (GRCh38, 1-based): chr14:104,878,486, G>A. VCF-style: chr14-104878486-G-A. GRCh37 (hg19) VCF-style: chr14-105344823-G-A.
Other names: c.108G>A, p.Pro36= (NM_015005.3).
Identifiers: ClinVar variation 3055708 (VCV003055708.2), dbSNP rs41314519, ClinGen allele CA7375224.

ClinVar aggregate classification (germline): Benign (0 of 4 stars; one submission).

Conditions:
CEP170B-related disorder. Also called: CEP170B-related condition.

Allele frequency attached by ClinVar (database versions not stated): ESP Exome Variant Server 0.02503; TOPMed 0.02775; gnomAD 0.02854; 1000 Genomes Project 0.02995; 1000 Genomes Project 30x 0.03092; ExAC 0.03483; gnomAD exomes 0.03494.
gnomAD v4.1: 55,329 of 1,611,574 alleles (3.4%); highest among the groups gnomAD compares: Middle Eastern, 5.3%; 1,106 homozygotes.

Submission:

PreventionGenetics, part of Exact Sciences
Classification: Benign for CEP170B-related condition. Last evaluated: 2020-02-27. Review status: no assertion criteria provided. Collection method: clinical testing. Allele origin: germline.
Comment: This variant is classified as benign based on ACMG/AMP sequence variant interpretation guidelines (Richards et al. 2015 PMID: 25741868, with internal and published modifications).